The following is an entry in ClinVar:

NM_014846.4(WASHC5):c.350A>G (p.Asn117Ser)

Gene: WASHC5 (WASH complex subunit 5; minus strand). Cytogenetic location: 8q24.13.
Variant type: single nucleotide variant.
Coding change: c.350A>G on transcript NM_014846.4 (MANE Select); coding-DNA position 350, A replaced by G.
Protein change: p.Asn117Ser; replaces asparagine 117 with serine.
Molecular consequence: missense variant. On other transcripts: 5 prime UTR variant (1).
Genome position (GRCh38, 1-based): chr8:125,082,450, T>C on the plus strand (A>G on the coding strand, the complement: WASHC5 is on the minus strand). VCF-style: chr8-125082450-T-C. GRCh37 (hg19) VCF-style: chr8-126094692-T-C.
Other names: c.-95A>G (NM_001330609.2); short protein forms N117S.
Identifiers: ClinVar variation 1978827 (VCV001978827.4), dbSNP rs772639041, ClinGen allele CA4874149.

ClinVar aggregate classification (germline): Uncertain significance (1 of 4 stars; one submission).

Conditions:
Hereditary spastic paraplegia 8 (SPG8). Also called: SPASTIC PARAPLEGIA 8, AUTOSOMAL DOMINANT. Identifiers: Orphanet 100989, MedGen C1863704, MONDO:0011339, OMIM 603563.
Ritscher-Schinzel syndrome. Also called: CRANIOCEREBELLOCARDIAC DYSPLASIA. Identifiers: Orphanet 7, MedGen C0796137, MONDO:0019078.

Allele frequency attached by ClinVar (database versions not stated): ExAC 0.00005; gnomAD 0.00003; TOPMed 0.00005; gnomAD exomes 0.00002.
gnomAD v4.1: 34 of 1,576,894 alleles (0.0022%); highest among the groups gnomAD compares: East Asian, 0.029%; no homozygotes.

Submission:

Labcorp Genetics (formerly Invitae), Labcorp
Classification: Uncertain significance for Ritscher-Schinzel syndrome; Hereditary spastic paraplegia 8. Last evaluated: 2025-04-14. Review status: criteria provided, single submitter. Criteria: Invitae Variant Classification Sherloc (09022015). Collection method: clinical testing. Allele origin: germline.
Comment: This sequence change replaces asparagine, which is neutral and polar, with serine, which is neutral and polar, at codon 117 of the WASHC5 protein (p.Asn117Ser). This variant is present in population databases (rs772639041, gnomAD 0.08%). This variant has not been reported in the literature in individuals affected with WASHC5-related conditions. ClinVar contains an entry for this variant (Variation ID: 1978827). Invitae Evidence Modeling of protein sequence and biophysical properties (such as structural, functional, and spatial information, amino acid conservation, physicochemical variation, residue mobility, and thermodynamic stability) indicates that this missense variant is not expected to disrupt WASHC5 protein function with a negative predictive value of 80%. In summary, the available evidence is currently insufficient to determine the role of this variant in disease. Therefore, it has been classified as a Variant of Uncertain Significance.